The following is an entry in ClinVar:

ClinVar aggregate classification (somatic clinical impact): Tier II - Potential (1 of 4 stars; one submission).

Conditions:
Embryonal rhabdomyosarcoma (ERMS). Also called: Botryoid rhabdomyosarcoma (type of ERMS); Spindle cell rhabdomyosarcomas (type of ERMS). Identifiers: Orphanet 99757, MedGen C0206656, MONDO:0009993, HP:0006743.

Submission:

Institute for Genomic Medicine (IGM) Clinical Laboratory, Nationwide Children's Hospital
Classification: Tier II - Potential for Embryonal rhabdomyosarcoma. Assertion type: diagnostic. Clinical significance: supports diagnosis. Last evaluated: 2025-03-13. Review status: criteria provided, single submitter. Criteria: AMP/ASCO/CAP Guidelines, 2017. Collection method: clinical testing. Allele origin: somatic. Affected: yes.
Comment: Variant has Tier II (potential) clinical significance as a diagnostic inclusion criterion in embryonal rhabdomyosarcoma, based on the following evidence: 1) Documented in one or more cancer databases (e.g., St. Jude Pecan, COSMIC, CIViC, OncoKB). 2) Assists in diagnosis alone or along with other biomarkers based on small studies or few case reports (Evidence Level D; PMID: 24332040).

Literature cited by the submitters: PubMed 24332040.

NM_002479.6(MYOG):c.268G>A (p.Glu90Lys)

Genes: MYOG (myogenin; minus strand), MYOPARR (myogenin promoter associated myogenic regulatory antisense long non coding RNA; plus strand). Cytogenetic location: 1q32.1.
Variant type: single nucleotide variant.
Coding change: c.268G>A on transcript NM_002479.6 (MANE Select); coding-DNA position 268, G replaced by A.
Protein change: p.Glu90Lys; replaces glutamic acid 90 with lysine.
Molecular consequence: missense variant.
Genome position (GRCh38, 1-based): chr1:203,085,694, C>T on the plus strand (G>A on the coding strand, the complement: MYOG is on the minus strand). VCF-style: chr1-203085694-C-T. GRCh37 (hg19) VCF-style: chr1-203054822-C-T.
Other names: short protein forms E90K.
Identifiers: ClinVar variation 4530457 (VCV004530457.1).
Genomic context (GRCh38, chr1:203,085,694, plus strand): 5'-GCAGGGTGCTTCTCTTCAGGGCCTCGAAGGCCTCATTCACCTTCTTGAGCCTGCGCTTCT[C>T]CCTCAGTGTGGCCGCCCGCCGCCGGTCCACGGACACCGACTTCCTCTTACACACCTTACA-3'
Protein context (NP_002470.2, residues 80-100): VDRRRAATLR[Glu90Lys]KRRLKKVNEA